The following is an entry in ClinVar:

NM_000258.3(MYL3):c.3G>T (p.Met1Ile)

Gene: MYL3 (myosin light chain 3; minus strand). Cytogenetic location: 3p21.31.
Variant type: single nucleotide variant.
Coding change: c.3G>T on transcript NM_000258.3 (MANE Select); coding-DNA position 3, G replaced by T.
Protein change: p.Met1Ile; changes the start codon (methionine 1).
Molecular consequence: missense variant, initiator codon variant.
Genome position (GRCh38, 1-based): chr3:46,863,388, C>A on the plus strand (G>T on the coding strand, the complement: MYL3 is on the minus strand). VCF-style: chr3-46863388-C-A. GRCh37 (hg19) VCF-style: chr3-46904878-C-A.
Other names: c.3G>T, p.Met1Ile (NM_001406937.1, NM_001406938.1, NM_001406939.1); short protein forms M1I.
Identifiers: ClinVar variation 4860606 (VCV004860606.1).

ClinVar aggregate classification (germline): Uncertain significance (1 of 4 stars; one submission).

Conditions:
Cardiovascular phenotype. Identifiers: MedGen CN230736.

Submission:

Ambry Genetics
Classification: Uncertain significance for Cardiovascular phenotype. Last evaluated: 2026-03-24. Review status: criteria provided, single submitter. Criteria: Ambry Variant Classification Scheme 2023. Collection method: clinical testing. Allele origin: germline.
Comment: The p.M1I variant (also known as c.3G>T), located in coding exon 1 of the MYL3 gene, results from a G to T substitution at nucleotide position 3. This alters the methionine residue at the initiation codon (ATG). This amino acid position is highly conserved in available vertebrate species. Variations that modify the initiation codon (ATG) are expected to result in either loss of translation initiation, N-terminal truncation, or cause a shift in the mRNA reading frame; however, loss of function of MYL3 has not been clearly established as a mechanism of disease. Since supporting evidence is limited at this time, the clinical significance of this alteration remains unclear.